The following is an entry in ClinVar:

NM_021922.3(FANCE):c.875A>G (p.Gln292Arg)

Gene: FANCE (FA complementation group E; plus strand). Cytogenetic location: 6p21.31.
Variant type: single nucleotide variant.
Coding change: c.875A>G on transcript NM_021922.3 (MANE Select); coding-DNA position 875, A replaced by G.
Protein change: p.Gln292Arg; replaces glutamine 292 with arginine.
Molecular consequence: missense variant.
Genome position (GRCh38, 1-based): chr6:35,457,575, A>G. VCF-style: chr6-35457575-A-G. GRCh37 (hg19) VCF-style: chr6-35425352-A-G.
Other names: short protein forms Q292R.
Identifiers: ClinVar variation 1372427 (VCV001372427.8), dbSNP rs1767398617, ClinGen allele CA363774799.

ClinVar aggregate classification (germline): Uncertain significance (1 of 4 stars; one submission).

Conditions:
Fanconi anemia complementation group E (FANCE). Also called: FANCE-Related Fanconi Anemia. Identifiers: Orphanet 84, MedGen C3160739, MONDO:0010953, OMIM 600901.

Submission:

Labcorp Genetics (formerly Invitae), Labcorp
Classification: Uncertain significance for Fanconi anemia complementation group E. Last evaluated: 2021-02-14. Review status: criteria provided, single submitter. Criteria: Invitae Variant Classification Sherloc (09022015). Collection method: clinical testing. Allele origin: germline.
Comment: This variant has not been reported in the literature in individuals with FANCE-related conditions. In summary, the available evidence is currently insufficient to determine the role of this variant in disease. Therefore, it has been classified as a Variant of Uncertain Significance. Algorithms developed to predict the effect of missense changes on protein structure and function are either unavailable or do not agree on the potential impact of this missense change (SIFT: "Tolerated"; PolyPhen-2: "Probably Damaging"; Align-GVGD: "Class C0"). This variant is not present in population databases (ExAC no frequency). This sequence change replaces glutamine with arginine at codon 292 of the FANCE protein (p.Gln292Arg). The glutamine residue is weakly conserved and there is a small physicochemical difference between glutamine and arginine.